The following is an entry in ClinVar:

NM_031885.5(BBS2):c.1919T>C (p.Met640Thr)

Gene: BBS2 (Bardet-Biedl syndrome 2; minus strand). Cytogenetic location: 16q13.
Variant type: single nucleotide variant.
Coding change: c.1919T>C on transcript NM_031885.5 (MANE Select); coding-DNA position 1919, T replaced by C.
Protein change: p.Met640Thr; replaces methionine 640 with threonine.
Molecular consequence: missense variant. On other transcripts: non-coding transcript variant (5).
Genome position (GRCh38, 1-based): chr16:56,485,730, A>G on the plus strand (T>C on the coding strand, the complement: BBS2 is on the minus strand). VCF-style: chr16-56485730-A-G. GRCh37 (hg19) VCF-style: chr16-56519642-A-G.
Other names: c.1919T>C, p.Met640Thr (NM_001377456.1); short protein forms M640T.
Identifiers: ClinVar variation 2729441 (VCV002729441.1), dbSNP rs1963759243, ClinGen allele CA395973774.

ClinVar aggregate classification (germline): Uncertain significance (1 of 4 stars; one submission).

Conditions:
Bardet-Biedl syndrome (BBS). Identifiers: Orphanet 110, MedGen C0752166, MONDO:0015229.

Allele frequency attached by ClinVar (database versions not stated): gnomAD 0.00001; TOPMed 0.00001.
gnomAD v4.1: 1 of 1,613,808 alleles (0.000062%); highest among the groups gnomAD compares: African/African-American, 0.0013%; no homozygotes.

Submission:

Labcorp Genetics (formerly Invitae), Labcorp
Classification: Uncertain significance for Bardet-Biedl syndrome. Last evaluated: 2024-01-11. Review status: criteria provided, single submitter. Criteria: Invitae Variant Classification Sherloc (09022015). Collection method: clinical testing. Allele origin: germline.
Comment: This sequence change replaces methionine, which is neutral and non-polar, with threonine, which is neutral and polar, at codon 640 of the BBS2 protein (p.Met640Thr). This variant is not present in population databases (gnomAD no frequency). This variant has not been reported in the literature in individuals affected with BBS2-related conditions. Advanced modeling of protein sequence and biophysical properties (such as structural, functional, and spatial information, amino acid conservation, physicochemical variation, residue mobility, and thermodynamic stability) performed at Invitae indicates that this missense variant is expected to disrupt BBS2 protein function with a positive predictive value of 80%. In summary, the available evidence is currently insufficient to determine the role of this variant in disease. Therefore, it has been classified as a Variant of Uncertain Significance.